The following is an entry in ClinVar:

NM_020975.6(RET):c.2001_2003inv (p.Pro668Val)

Gene: RET (ret proto-oncogene; plus strand). Cytogenetic location: 10q11.21.
Variant type: Inversion.
Coding change: c.2001_2003inv on transcript NM_020975.6 (MANE Select).
Protein change: p.Pro668Val; replaces proline 668 with valine.
Molecular consequence: missense variant. On other transcripts: intron variant (4).
Genome position: GRCh38 VCF-style: chr10-43114601-ACC-GGT. GRCh37 (hg19) VCF-style: chr10-43610049-ACC-GGT.
Other names: c.552_554inv, p.Pro185Val (NM_001406793.1, NM_001406794.1, NM_001406792.1); c.2001_2003inv, p.Pro668Val (NM_020630.7, NM_001406743.1, NM_001406744.1 and 2 more transcripts); c.1880-14_1880-12inv (NM_001406765.1, NM_001406763.1); c.983-14_983-12inv (NM_001406787.1); c.1751-14_1751-12inv (NM_001406768.1); c.1275_1277inv, p.Pro426Val (NM_001406775.1, NM_001406776.1, NM_001406777.1 and 1 more transcripts); c.1104_1106inv, p.Pro369Val (NM_001406779.1, NM_001406780.1, NM_001406781.1 and 1 more transcripts); c.1239_1241inv, p.Pro414Val (NM_001355216.2); and 11 more; short protein forms P329V, P625V, P273V, P338V, P414V, P493V, P522V, P185V.
Identifiers: ClinVar variation 4844014 (VCV004844014.1).

ClinVar aggregate classification (germline): Uncertain significance (1 of 4 stars; one submission).

Conditions:
Hereditary cancer-predisposing syndrome. Also called: Neoplastic Syndromes, Hereditary; Tumor predisposition; Hereditary Cancer Syndrome; Hereditary neoplastic syndrome. Identifiers: Orphanet 140162, MedGen C0027672, MeSH D009386, MONDO:0015356.

Submission:

Ambry Genetics
Classification: Uncertain significance for Hereditary cancer-predisposing syndrome. Last evaluated: 2026-01-08. Review status: criteria provided, single submitter. Criteria: Ambry Variant Classification Scheme 2023. Collection method: clinical testing. Allele origin: germline.
Comment: The c.2001_2003delACCinsGGT variant, located in coding exon 11 of the RET gene, results from an in-frame deletion of ACC and insertion of GGT at nucleotide positions 2001 to 2003. This results in the substitution of the proline residue for a valine residue at codon 668, an amino acid with similar properties. This amino acid position is highly conserved in available vertebrate species. Based on the available evidence, the clinical significance of this variant remains unclear.